The following is an entry in ClinVar:

NM_006648.4(WNK2):c.5231C>G (p.Thr1744Ser)

Gene: WNK2 (WNK lysine deficient protein kinase 2; plus strand). Cytogenetic location: 9q22.31.
Variant type: single nucleotide variant.
Coding change: c.5231C>G on transcript NM_006648.4 (MANE Select); coding-DNA position 5231, C replaced by G.
Protein change: p.Thr1744Ser; replaces threonine 1744 with serine.
Molecular consequence: missense variant.
Genome position (GRCh38, 1-based): chr9:93,292,696, C>G. VCF-style: chr9-93292696-C-G. GRCh37 (hg19) VCF-style: chr9-96054978-C-G.
Other names: c.5342C>G, p.Thr1781Ser (NM_001282394.3); short protein forms T1744S, T1781S.
Identifiers: ClinVar variation 4826223 (VCV004826223.1).

ClinVar aggregate classification (germline): Uncertain significance (1 of 4 stars; one submission).

Submission:

Ambry Genetics
Classification: Uncertain significance. Last evaluated: 2026-02-28. Review status: criteria provided, single submitter. Criteria: Ambry Variant Classification Scheme 2023. Collection method: clinical testing. Allele origin: germline.
Comment: The p.T1744S variant (also known as c.5231C>G), located in coding exon 22 of the WNK2 gene, results from a C to G substitution at nucleotide position 5231. The threonine at codon 1744 is replaced by serine, an amino acid with similar properties. This amino acid position is conserved. In addition, the in silico prediction for this alteration is inconclusive. Based on the available evidence, the clinical significance of this variant remains unclear.